The following is an entry in ClinVar:

NM_001482.3(GATM):c.966A>T (p.Arg322=)

Gene: GATM (glycine amidinotransferase; minus strand). Cytogenetic location: 15q21.1.
Variant type: single nucleotide variant.
Coding change: c.966A>T on transcript NM_001482.3 (MANE Select); coding-DNA position 966, A replaced by T.
Protein change: p.Arg322=; no amino-acid change (arginine 322 retained).
Molecular consequence: synonymous variant.
Genome position (GRCh38, 1-based): chr15:45,366,058, T>A on the plus strand (A>T on the coding strand, the complement: GATM is on the minus strand). VCF-style: chr15-45366058-T-A. GRCh37 (hg19) VCF-style: chr15-45658256-T-A.
Other names: c.579A>T, p.Arg193= (NM_001321015.2).
Identifiers: ClinVar variation 1315862 (VCV001315862.2), dbSNP rs1889443243, ClinGen allele CA490334237.

ClinVar aggregate classification (germline): Uncertain significance (1 of 4 stars; one submission).

Allele frequency attached by ClinVar (database versions not stated): gnomAD 0.00001.

Submission:

GeneDx
Classification: Uncertain significance. Last evaluated: 2019-09-27. Review status: criteria provided, single submitter. Criteria: GeneDx Variant Classification Process June 2021. Collection method: clinical testing. Allele origin: germline. Affected: yes.
Comment: Not observed in large population cohorts (Lek et al., 2016); Has not been previously published as pathogenic or benign to our knowledge; In silico analysis, which includes splice predictors and evolutionary conservation, suggests this variant may impact gene splicing. In the absence of RNA/functional studies, the actual effect of this sequence change is unknown.